The following is an entry in ClinVar:

ClinVar aggregate classification (germline): Pathogenic/Likely pathogenic. Review status: criteria provided, multiple submitters, no conflicts (2 of 4 stars). 5 submissions from 5 submitters: Pathogenic (1); Likely pathogenic (4). Last evaluated 2025-12-08.

Conditions:
Walker-Warburg congenital muscular dystrophy. Also called: Muscular dystrophy-dystroglycanopathy, type A; Walker-Warburg syndrome. Identifiers: Orphanet 899, MedGen C0265221, MONDO:0000171.
Autosomal recessive limb-girdle muscular dystrophy type 2K. Also called: MUSCULAR DYSTROPHY-DYSTROGLYCANOPATHY (LIMB-GIRDLE), TYPE C, 1; MUSCULAR DYSTROPHY, LIMB-GIRDLE, TYPE 2K. Identifiers: Orphanet 86812, MedGen C1836373, MONDO:0012248, OMIM 609308.
Muscular dystrophy-dystroglycanopathy (congenital with impaired intellectual development), type B, 1. Also called: Muscular dystrophy-dystroglycanopathy (congenital with intellectual disability), type B1; MUSCULAR DYSTROPHY, CONGENITAL, POMT1-RELATED. Identifiers: MedGen C5436962, MONDO:0013159, OMIM 613155.
Muscular dystrophy-dystroglycanopathy (congenital with brain and eye anomalies), type A1 (MDDGA1). Also called: COD-MD SYNDROME; Muscular dystrophy-dystroglycanopathy (congenital with brain and eye anomalies), type A, 1; WALKER-WARBURG SYNDROME OR MUSCLE-EYE-BRAIN DISEASE, POMT1-RELATED; Hydrocephalus, agyria and retinal dysplasia; Hard +/- E syndrome; Warburg syndrome. Identifiers: Orphanet 588, Orphanet 899, MedGen C4284790, MONDO:0009364, OMIM 236670.
POMT1-related disorder. Also called: POMT1-related disorders; POMT1-related condition.

Allele frequency attached by ClinVar (database versions not stated): TOPMed 0.00001; gnomAD 0.00001; gnomAD exomes 0.00001.
gnomAD v4.1: 15 of 1,614,208 alleles (0.00093%); highest among the groups gnomAD compares: Middle Eastern, 0.016%; no homozygotes.

Submissions (5):

Labcorp Genetics (formerly Invitae), Labcorp
Classification: Pathogenic for Muscular dystrophy-dystroglycanopathy (congenital with impaired intellectual development), type B, 1; Walker-Warburg congenital muscular dystrophy; Autosomal recessive limb-girdle muscular dystrophy type 2K. Last evaluated: 2025-12-08. Review status: criteria provided, single submitter. Criteria: Invitae Variant Classification Sherloc (09022015). Collection method: clinical testing. Allele origin: germline.
Comment: This sequence change replaces arginine, which is basic and polar, with cysteine, which is neutral and slightly polar, at codon 105 of the POMT1 protein (p.Arg105Cys). This variant is present in population databases (no rsID available, gnomAD 0.003%). This missense change has been observed in individual(s) with Walker-Warburg syndrome (PMID: 16575835, 27193224). In at least one individual the data is consistent with being in trans (on the opposite chromosome) from a pathogenic variant. ClinVar contains an entry for this variant (Variation ID: 1497287). Invitae Evidence Modeling of protein sequence and biophysical properties (such as structural, functional, and spatial information, amino acid conservation, physicochemical variation, residue mobility, and thermodynamic stability) indicates that this missense variant is expected to disrupt POMT1 protein function with a positive predictive value of 95%. This variant disrupts the p.Arg105 amino acid residue in POMT1. Other variant(s) that disrupt this residue have been observed in individuals with POMT1-related conditions (PMID: 16575835), which suggests that this may be a clinically significant amino acid residue. For these reasons, this variant has been classified as Pathogenic.

Fulgent Genetics
Classification: Likely pathogenic for Muscular dystrophy-dystroglycanopathy (congenital with brain and eye anomalies), type A1; Autosomal recessive limb-girdle muscular dystrophy type 2K; Muscular dystrophy-dystroglycanopathy (congenital with impaired intellectual development), type B, 1. Last evaluated: 2024-04-02. Review status: criteria provided, single submitter. Criteria: ACMG Guidelines, 2015. Collection method: clinical testing. Allele origin: germline.

Blueprint Genetics
Classification: Likely pathogenic for POMT1-related disorders. Last evaluated: 2024-02-05. Review status: criteria provided, single submitter. Criteria: ACMG Guidelines, 2015. Collection method: clinical testing. Allele origin: germline. Affected: yes. Observed: 2 variant alleles.

Baylor Genetics
Classification: Likely pathogenic for Muscular dystrophy-dystroglycanopathy (congenital with brain and eye anomalies), type A1. Last evaluated: 2023-07-21. Review status: criteria provided, single submitter. Criteria: ACMG Guidelines, 2015. Collection method: clinical testing. Allele origin: unknown.

Juno Genomics, Hangzhou Juno Genomics, Inc
Classification: Likely pathogenic for Muscular dystrophy-dystroglycanopathy (congenital with impaired intellectual development), type B, 1; Muscular dystrophy-dystroglycanopathy (congenital with brain and eye anomalies), type A1; Autosomal recessive limb-girdle muscular dystrophy type 2K. Review status: criteria provided, single submitter. Criteria: ACMG Guidelines, 2015. Collection method: clinical testing. Allele origin: germline.
Comment: Absent from controls (or at extremely low frequency if recessive) in Genome Aggregation Database.;Multiple lines of computational evidence support a deleterious effect on the gene or gene product.;For recessive disorders, detected in trans with a pathogenic variant.;Patient's phenotype or family history is highly specific for a disease with a single genetic etiology.

Literature cited by the submitters: PubMed 16575835 (cited by Labcorp Genetics (formerly Invitae), Labcorp); PubMed 27193224 (cited by Labcorp Genetics (formerly Invitae), Labcorp).

NM_001077365.2(POMT1):c.313C>T (p.Arg105Cys)

Gene: POMT1 (protein O-mannosyltransferase 1; plus strand). Cytogenetic location: 9q34.13.
Variant type: single nucleotide variant.
Coding change: c.313C>T on transcript NM_001077365.2 (MANE Select); coding-DNA position 313, C replaced by T.
Protein change: p.Arg105Cys; replaces arginine 105 with cysteine.
Molecular consequence: missense variant. On other transcripts: 5 prime UTR variant (5), intron variant (2), non-coding transcript variant (9).
Genome position (GRCh38, 1-based): chr9:131,507,400, C>T. VCF-style: chr9-131507400-C-T. GRCh37 (hg19) VCF-style: chr9-134382787-C-T.
Other names: c.151C>T, p.Arg51Cys (NM_001077366.2, NM_001353197.2, NM_001353194.2 and 3 more transcripts); c.313C>T, p.Arg105Cys (NM_001136113.2, NM_001353193.2, NM_001374690.1 and 1 more transcripts); c.-39C>T (NM_001136114.2, NM_001353195.2, NM_001353199.2 and 2 more transcripts); c.223C>T, p.Arg75Cys (NM_001353196.2); c.313C>T (NM_007171.3); c.-29-1511C>T (NM_001374695.1); c.-30+947C>T (NM_001353200.2); short protein forms R75C, R105C, R51C.
Identifiers: ClinVar variation 1497287 (VCV001497287.13), dbSNP rs1289335417, ClinGen allele CA375306235.